The following is an entry in ClinVar:

NM_004946.3(DOCK2):c.1522C>T (p.Arg508Ter)

Gene: DOCK2 (dedicator of cytokinesis 2; plus strand). Cytogenetic location: 5q35.1.
Variant type: single nucleotide variant.
Coding change: c.1522C>T on transcript NM_004946.3 (MANE Select); coding-DNA position 1522, C replaced by T.
Protein change: p.Arg508Ter; replaces arginine 508 with a stop codon.
Molecular consequence: nonsense. On other transcripts: non-coding transcript variant (1).
Genome position (GRCh38, 1-based): chr5:169,711,974, C>T. VCF-style: chr5-169711974-C-T. GRCh37 (hg19) VCF-style: chr5-169138978-C-T.
Other names: short protein forms R508*.
Identifiers: ClinVar variation 4738028 (VCV004738028.1).

ClinVar aggregate classification (germline): Pathogenic (1 of 4 stars; one submission).

Conditions:
DOCK2 deficiency. Also called: Immunodeficiency 40. Identifiers: Orphanet 447737, MedGen C4225328, MONDO:0014637, OMIM 616433.

gnomAD v4.1: 3 of 1,614,032 alleles (0.00019%); highest among the groups gnomAD compares: Admixed American, 0.0017%; no homozygotes.

Submission:

Labcorp Genetics (formerly Invitae), Labcorp
Classification: Pathogenic for DOCK2 deficiency. Last evaluated: 2025-10-06. Review status: criteria provided, single submitter. Criteria: Invitae Variant Classification Sherloc (09022015). Collection method: clinical testing. Allele origin: germline.
Comment: This sequence change creates a premature translational stop signal (p.Arg508*) in the DOCK2 gene. It is expected to result in an absent or disrupted protein product. Loss-of-function variants in DOCK2 are known to be pathogenic (PMID: 26083206). This variant is present in population databases (no rsID available, gnomAD 0.003%). This variant has not been reported in the literature in individuals affected with DOCK2-related conditions. For these reasons, this variant has been classified as Pathogenic.

Literature cited by the submitters: PubMed 26083206.